The following is an entry in ClinVar:

NM_001372.4(DNAH9):c.11312C>A (p.Ala3771Glu)

Gene: DNAH9 (dynein axonemal heavy chain 9; plus strand). Cytogenetic location: 17p12.
Variant type: single nucleotide variant.
Coding change: c.11312C>A on transcript NM_001372.4 (MANE Select); coding-DNA position 11312, C replaced by A.
Protein change: p.Ala3771Glu; replaces alanine 3771 with glutamic acid.
Molecular consequence: missense variant.
Genome position (GRCh38, 1-based): chr17:11,894,402, C>A. VCF-style: chr17-11894402-C-A. GRCh37 (hg19) VCF-style: chr17-11797719-C-A.
Other names: c.248C>A, p.Ala83Glu (NM_004662.2); c.11312C>A (NM_001372.3); short protein forms A3771E, A83E.
Identifiers: ClinVar variation 1435647 (VCV001435647.4), dbSNP rs148678629, ClinGen allele CA8397801.

ClinVar aggregate classification (germline): Uncertain significance. Review status: criteria provided, single submitter (1 of 4 stars). 2 submissions from 2 submitters: Uncertain significance (1). 1 of the submissions does not count toward it. Last evaluated 2022-08-23.

Conditions:
DNAH9-related disorder. Also called: DNAH9-related condition.

Allele frequency attached by ClinVar (database versions not stated): gnomAD exomes 0.00002 and 0.00004; ExAC 0.00004; gnomAD 0.00014 and 0.00016; ESP Exome Variant Server 0.00023.
gnomAD v4.1: 50 of 1,614,176 alleles (0.0031%); highest among the groups gnomAD compares: African/African-American, 0.052%; no homozygotes.

Submissions (2):

Labcorp Genetics (formerly Invitae), Labcorp
Classification: Uncertain significance. Last evaluated: 2022-08-23. Review status: criteria provided, single submitter. Criteria: Invitae Variant Classification Sherloc (09022015). Collection method: clinical testing. Allele origin: germline.
Comment: This sequence change replaces alanine, which is neutral and non-polar, with glutamic acid, which is acidic and polar, at codon 3771 of the DNAH9 protein (p.Ala3771Glu). This variant is present in population databases (rs148678629, gnomAD 0.04%). This variant has not been reported in the literature in individuals affected with DNAH9-related conditions. ClinVar contains an entry for this variant (Variation ID: 1435647). Algorithms developed to predict the effect of missense changes on protein structure and function (SIFT, PolyPhen-2, Align-GVGD) all suggest that this variant is likely to be tolerated. In summary, the available evidence is currently insufficient to determine the role of this variant in disease. Therefore, it has been classified as a Variant of Uncertain Significance.

PreventionGenetics, part of Exact Sciences
Classification: Uncertain significance for DNAH9-related condition. Last evaluated: 2024-08-31. Review status: no assertion criteria provided. Collection method: clinical testing. Allele origin: germline. Not counted in ClinVar's aggregate classification.
Comment: The DNAH9 c.11312C>A variant is predicted to result in the amino acid substitution p.Ala3771Glu. To our knowledge, this variant has not been reported in the literature. This variant is reported in 0.044% of alleles in individuals of African descent in gnomAD. At this time, the clinical significance of this variant is uncertain due to the absence of conclusive functional and genetic evidence.